The following is an entry in ClinVar:

ClinVar aggregate classification (germline): Pathogenic (1 of 4 stars; one submission).

Conditions:
Neurofibromatosis, type 1 (NF1). Also called: VON RECKLINGHAUSEN DISEASE; Neurofibromatosis, type I; NEUROFIBROMATOSIS, TYPE I, SOMATIC; Peripheral type neurofibromatosis. Identifiers: Orphanet 636, MedGen C0027831, MONDO:0018975, OMIM 162200. Disease mechanism: loss of function.

Submission:

Labcorp Genetics (formerly Invitae), Labcorp
Classification: Pathogenic for Neurofibromatosis, type 1. Last evaluated: 2025-05-22. Review status: criteria provided, single submitter. Criteria: Invitae Variant Classification Sherloc (09022015). Collection method: clinical testing. Allele origin: germline.
Comment: This sequence change affects codon 775 of the NF1 mRNA. It is a 'silent' change, meaning that it does not change the encoded amino acid sequence of the NF1 protein. RNA analysis indicates that this variant induces altered splicing and likely disrupts the C-terminus of the protein. This variant is not present in population databases (gnomAD no frequency). This variant has been observed in individual(s) with neurofibromatosis type 1 (internal data). In at least one individual the variant was observed to be de novo. ClinVar contains an entry for this variant (Variation ID: 650391). An algorithm developed to predict the effect of missense changes on protein structure and function (PolyPhen-2) suggests that this variant is likely to be disruptive. Variants that disrupt the consensus splice site are a relatively common cause of aberrant splicing (PMID: 17576681, 9536098). Studies have shown that this variant results in skipping of exon 19 and introduces a new termination codon (PMID: 18546366). However the mRNA is not expected to undergo nonsense-mediated decay. For these reasons, this variant has been classified as Pathogenic.

Literature cited by the submitters: PubMed 17576681; PubMed 9536098; PubMed 18546366.

NM_001042492.3(NF1):c.2325G>T (p.Glu775Asp)

Gene: NF1 (neurofibromin 1; plus strand). Cytogenetic location: 17q11.2.
Variant type: single nucleotide variant.
Coding change: c.2325G>T on transcript NM_001042492.3 (MANE Select); coding-DNA position 2325, G replaced by T.
Protein change: p.Glu775Asp; replaces glutamic acid 775 with aspartic acid.
Molecular consequence: missense variant.
Genome position (GRCh38, 1-based): chr17:31,227,291, G>T. VCF-style: chr17-31227291-G-T. GRCh37 (hg19) VCF-style: chr17-29554309-G-T.
Other names: c.2325G>T, p.Glu775Asp (NM_000267.4); short protein forms E775D.
Identifiers: ClinVar variation 650391 (VCV000650391.5), dbSNP rs1555613932, ClinGen allele CA398982944.